The following is an entry in ClinVar:

ClinVar aggregate classification (germline): Uncertain significance (1 of 4 stars; one submission).

Conditions:
Hereditary sensory neuropathy-deafness-dementia syndrome. Also called: NEUROPATHY, HEREDITARY SENSORY, WITH HEARING LOSS AND DEMENTIA; Hereditary Sensory and Autonomic Neuropathy Type 1E (HSAN1E); HSN IE; Hereditary sensory neuropathy type IE. Identifiers: Orphanet 456318, MedGen C3279885, MONDO:0013584, OMIM 614116.

Allele frequency attached by ClinVar (database versions not stated): gnomAD exomes below 0.00001.
gnomAD v4.1: 4 of 1,614,232 alleles (0.00025%); highest among the groups gnomAD compares: Middle Eastern, 0.033%; no homozygotes.

Submission:

Labcorp Genetics (formerly Invitae), Labcorp
Classification: Uncertain significance for Hereditary sensory neuropathy-deafness-dementia syndrome. Last evaluated: 2025-04-11. Review status: criteria provided, single submitter. Criteria: Invitae Variant Classification Sherloc (09022015). Collection method: clinical testing. Allele origin: germline.
Comment: This sequence change replaces proline, which is neutral and non-polar, with glutamine, which is neutral and polar, at codon 388 of the DNMT1 protein (p.Pro388Gln). This variant is present in population databases (no rsID available, gnomAD 0.0009%). This variant has not been reported in the literature in individuals affected with DNMT1-related conditions. ClinVar contains an entry for this variant (Variation ID: 1520382). Invitae Evidence Modeling of protein sequence and biophysical properties (such as structural, functional, and spatial information, amino acid conservation, physicochemical variation, residue mobility, and thermodynamic stability) indicates that this missense variant is not expected to disrupt DNMT1 protein function with a negative predictive value of 80%. In summary, the available evidence is currently insufficient to determine the role of this variant in disease. Therefore, it has been classified as a Variant of Uncertain Significance.

NM_001130823.3(DNMT1):c.1163C>A (p.Pro388Gln)

Gene: DNMT1 (DNA methyltransferase 1; minus strand). Cytogenetic location: 19p13.2.
Variant type: single nucleotide variant.
Coding change: c.1163C>A on transcript NM_001130823.3 (MANE Select); coding-DNA position 1163, C replaced by A.
Protein change: p.Pro388Gln; replaces proline 388 with glutamine.
Molecular consequence: missense variant.
Genome position (GRCh38, 1-based): chr19:10,159,849, G>T on the plus strand (C>A on the coding strand, the complement: DNMT1 is on the minus strand). VCF-style: chr19-10159849-G-T. GRCh37 (hg19) VCF-style: chr19-10270525-G-T.
Other names: c.1115C>A, p.Pro372Gln (NM_001318730.2, NM_001379.4); c.800C>A, p.Pro267Gln (NM_001318731.2); short protein forms P372Q, P388Q, P267Q.
Identifiers: ClinVar variation 1520382 (VCV001520382.6), dbSNP rs1161974493, ClinGen allele CA403939442.